The following is an entry in ClinVar:

NM_006922.4(SCN3A):c.1873G>T (p.Val625Phe)

Gene: SCN3A (sodium voltage-gated channel alpha subunit 3; minus strand). Cytogenetic location: 2q24.3.
Variant type: single nucleotide variant.
Coding change: c.1873G>T on transcript NM_006922.4 (MANE Select); coding-DNA position 1873, G replaced by T.
Protein change: p.Val625Phe; replaces valine 625 with phenylalanine.
Molecular consequence: missense variant. On other transcripts: splice donor variant (2).
Genome position (GRCh38, 1-based): chr2:165,140,797, C>A on the plus strand (G>T on the coding strand, the complement: SCN3A is on the minus strand). VCF-style: chr2-165140797-C-A. GRCh37 (hg19) VCF-style: chr2-165997307-C-A.
Other names: c.1872+1G>T (NM_001081676.2, NM_001081677.2); short protein forms V625F.
Identifiers: ClinVar variation 3438223 (VCV003438223.3).

ClinVar aggregate classification (germline): Uncertain significance. Review status: criteria provided, multiple submitters, no conflicts (2 of 4 stars). 2 submissions from 2 submitters: Uncertain significance (2). Last evaluated 2025-08-29.

Conditions:
Inborn genetic diseases. Identifiers: MedGen C0950123, MeSH D030342.

gnomAD v4.1: 1 of 1,614,136 alleles (0.000062%); highest among the groups gnomAD compares: Non-Finnish European, 0.000085%; no homozygotes.

Submissions (2):

GeneDx
Classification: Uncertain significance. Last evaluated: 2025-08-29. Review status: criteria provided, single submitter. Criteria: GeneDx Variant Classification Process June 2021. Collection method: clinical testing. Allele origin: germline.
Comment: Not observed at significant frequency in large population cohorts (gnomAD); In silico analysis indicates that this missense variant does not alter protein structure/function; Has not been previously published as pathogenic or benign to our knowledge

Ambry Genetics
Classification: Uncertain significance for Inborn genetic diseases. Last evaluated: 2024-12-10. Review status: criteria provided, single submitter. Criteria: Ambry Variant Classification Scheme 2023. Collection method: clinical testing. Allele origin: germline.